The following is an entry in ClinVar:

NM_152383.5(DIS3L2):c.1037A>T (p.Asp346Val)

Gene: DIS3L2 (DIS3 like 3'-5' exoribonuclease 2; plus strand). Cytogenetic location: 2q37.1.
Variant type: single nucleotide variant.
Coding change: c.1037A>T on transcript NM_152383.5 (MANE Select); coding-DNA position 1037, A replaced by T.
Protein change: p.Asp346Val; replaces aspartic acid 346 with valine.
Molecular consequence: missense variant. On other transcripts: non-coding transcript variant (2).
Genome position (GRCh38, 1-based): chr2:232,163,545, A>T. VCF-style: chr2-232163545-A-T. GRCh37 (hg19) VCF-style: chr2-233028255-A-T.
Other names: c.1037A>T, p.Asp346Val (NM_001257281.2); short protein forms D346V.
Identifiers: ClinVar variation 2819624 (VCV002819624.3), dbSNP rs2469895659, ClinGen allele CA351154343.

ClinVar aggregate classification (germline): Uncertain significance (1 of 4 stars; one submission).

Conditions:
Perlman syndrome (PRLMNS). Identifiers: Orphanet 2849, MedGen C0796113, MONDO:0009965, OMIM 267000.

Submission:

Labcorp Genetics (formerly Invitae), Labcorp
Classification: Uncertain significance for Perlman syndrome. Last evaluated: 2022-12-30. Review status: criteria provided, single submitter. Criteria: Invitae Variant Classification Sherloc (09022015). Collection method: clinical testing. Allele origin: germline.
Comment: In summary, the available evidence is currently insufficient to determine the role of this variant in disease. Therefore, it has been classified as a Variant of Uncertain Significance. Algorithms developed to predict the effect of sequence changes on RNA splicing suggest that this variant may create or strengthen a splice site. Advanced modeling of protein sequence and biophysical properties (such as structural, functional, and spatial information, amino acid conservation, physicochemical variation, residue mobility, and thermodynamic stability) performed at Invitae indicates that this missense variant is not expected to disrupt DIS3L2 protein function. This variant has not been reported in the literature in individuals affected with DIS3L2-related conditions. This variant is not present in population databases (gnomAD no frequency). This sequence change replaces aspartic acid, which is acidic and polar, with valine, which is neutral and non-polar, at codon 346 of the DIS3L2 protein (p.Asp346Val).